The following is an entry in ClinVar:

ClinVar aggregate classification (germline): Uncertain significance. Review status: criteria provided, multiple submitters, no conflicts (2 of 4 stars). 3 submissions from 3 submitters: Uncertain significance (3). Last evaluated 2025-02-03.

Conditions:
Oligodontia-cancer predisposition syndrome. Also called: TOOTH AGENESIS-COLORECTAL CANCER SYNDROME. Identifiers: Orphanet 300576, MedGen C1837750, MONDO:0012075, OMIM 608615. Disease mechanism: loss of function.
Colorectal cancer. Also called: Malignant Colorectal Neoplasm; Colorectal cancer, somatic. Identifiers: MedGen C0346629, MONDO:0005575, OMIM 114500.
Hereditary cancer-predisposing syndrome. Also called: Hereditary Cancer Syndrome; Hereditary neoplastic syndrome; Neoplastic Syndromes, Hereditary; Tumor predisposition. Identifiers: Orphanet 140162, MedGen C0027672, MeSH D009386, MONDO:0015356.

Allele frequency attached by ClinVar (database versions not stated): gnomAD exomes below 0.00001; ExAC 0.00001; gnomAD 0.00001.
gnomAD v4.1: 7 of 1,604,952 alleles (0.00044%); highest among the groups gnomAD compares: South Asian, 0.0078%; no homozygotes.

Submissions (3):

Labcorp Genetics (formerly Invitae), Labcorp
Classification: Uncertain significance for Oligodontia-cancer predisposition syndrome. Last evaluated: 2025-02-03. Review status: criteria provided, single submitter. Criteria: Invitae Variant Classification Sherloc (09022015). Collection method: clinical testing. Allele origin: germline.
Comment: This sequence change replaces valine, which is neutral and non-polar, with leucine, which is neutral and non-polar, at codon 51 of the AXIN2 protein (p.Val51Leu). This variant is present in population databases (rs753631236, gnomAD 0.003%). This variant has not been reported in the literature in individuals affected with AXIN2-related conditions. ClinVar contains an entry for this variant (Variation ID: 1434614). Invitae Evidence Modeling of protein sequence and biophysical properties (such as structural, functional, and spatial information, amino acid conservation, physicochemical variation, residue mobility, and thermodynamic stability) indicates that this missense variant is not expected to disrupt AXIN2 protein function with a negative predictive value of 80%. In summary, the available evidence is currently insufficient to determine the role of this variant in disease. Therefore, it has been classified as a Variant of Uncertain Significance.

Ambry Genetics
Classification: Uncertain significance for Hereditary cancer-predisposing syndrome. Last evaluated: 2024-11-02. Review status: criteria provided, single submitter. Criteria: Ambry Variant Classification Scheme 2023. Collection method: clinical testing. Allele origin: germline.
Comment: The p.V51L variant (also known as c.151G>C), located in coding exon 1 of the AXIN2 gene, results from a G to C substitution at nucleotide position 151. The valine at codon 51 is replaced by leucine, an amino acid with highly similar properties. This amino acid position is conserved. In addition, this alteration is predicted to be tolerated by in silico analysis. Since supporting evidence is limited at this time, the clinical significance of this alteration remains unclear.

Fulgent Genetics
Classification: Uncertain significance for Colorectal cancer; Oligodontia-cancer predisposition syndrome. Last evaluated: 2024-01-02. Review status: criteria provided, single submitter. Criteria: ACMG Guidelines, 2015. Collection method: clinical testing. Allele origin: germline.

NM_004655.4(AXIN2):c.151G>C (p.Val51Leu)

Gene: AXIN2 (axin 2; minus strand). Cytogenetic location: 17q24.1.
Variant type: single nucleotide variant.
Coding change: c.151G>C on transcript NM_004655.4 (MANE Select); coding-DNA position 151, G replaced by C.
Protein change: p.Val51Leu; replaces valine 51 with leucine.
Molecular consequence: missense variant.
Genome position (GRCh38, 1-based): chr17:65,558,470, C>G on the plus strand (G>C on the coding strand, the complement: AXIN2 is on the minus strand). VCF-style: chr17-65558470-C-G. GRCh37 (hg19) VCF-style: chr17-63554588-C-G.
Other names: c.151G>C, p.Val51Leu (NM_001363813.1); short protein forms V51L.
Identifiers: ClinVar variation 1434614 (VCV001434614.11), dbSNP rs753631236, ClinGen allele CA8719092.
Genomic context (GRCh38, chr17:65,558,470, plus strand): 5'-GAGATGCCCGCCCCTCCGGCTCCCCCAACCCATCTTCGTTCCGCCTGGTGTTGGAAGAGA[C>G]AGGCATGGGTTTGGTGACCTGGCCCTTGCCCACCCCTGGCTGACACGGTGGGGTCTCCCC-3'
Protein context (NP_004646.3, residues 41-61): GKGQVTKPMP[Val51Leu]SSNTRRNEDG